The following is an entry in ClinVar:

ClinVar aggregate classification (germline): Likely benign. Review status: criteria provided, single submitter (1 of 4 stars). 2 submissions from 2 submitters: Likely benign (1). 1 of the submissions does not count toward it. Last evaluated 2024-02-01.

Conditions:
RIC1-related disorder. Also called: RIC1-related condition.

Allele frequency attached by ClinVar (database versions not stated): TOPMed 0.00062; ESP Exome Variant Server 0.00069; gnomAD 0.00083; gnomAD exomes 0.00100; 1000 Genomes Project 30x 0.00125; ExAC 0.00135; 1000 Genomes Project 0.00160.
gnomAD v4.1: 1,613 of 1,611,638 alleles (0.1%); highest among the groups gnomAD compares: South Asian, 0.45%; 7 homozygotes.

Submissions (7):

CeGaT Center for Human Genetics Tuebingen
Classification: Likely benign. Last evaluated: 2024-02-01. Review status: criteria provided, single submitter. Criteria: CeGaT Center For Human Genetics Tuebingen Variant Classification Criteria Version 2. Collection method: clinical testing. Allele origin: germline. Affected: yes. Observed: 1 variant allele.
Comment: RIC1: BP4, BS2

PreventionGenetics, part of Exact Sciences
Classification: Likely benign for RIC1-related condition. Last evaluated: 2023-02-20. Review status: no assertion criteria provided. Collection method: clinical testing. Allele origin: germline. Not counted in ClinVar's aggregate classification.
Comment: This variant is classified as likely benign based on ACMG/AMP sequence variant interpretation guidelines (Richards et al. 2015 PMID: 25741868, with internal and published modifications).

Dr. Peter K. Rogan Lab, Western University
No classification provided (evidence only). Condition: Acute myeloid leukemia. Review status: no classification provided. Collection method: in vitro. Allele origin: not applicable. Functional consequence: retained intron. Not counted in ClinVar's aggregate classification.

Dr. Peter K. Rogan Lab, Western University
No classification provided (evidence only). Condition: Thyroid cancer, nonmedullary, 1. Review status: no classification provided. Collection method: in vitro. Allele origin: not applicable. Functional consequence: retained intron. Not counted in ClinVar's aggregate classification.

Dr. Peter K. Rogan Lab, Western University
No classification provided (evidence only). Condition: Cervical cancer. Review status: no classification provided. Collection method: in vitro. Allele origin: not applicable. Functional consequence: retained intron. Not counted in ClinVar's aggregate classification.

Dr. Peter K. Rogan Lab, Western University
No classification provided (evidence only). Condition: Thymoma. Review status: no classification provided. Collection method: in vitro. Allele origin: not applicable. Functional consequence: retained intron. Not counted in ClinVar's aggregate classification.

Dr. Peter K. Rogan Lab, Western University
No classification provided (evidence only). Condition: Ovarian serous cystadenocarcinoma. Review status: no classification provided. Collection method: in vitro. Allele origin: not applicable. Functional consequence: retained intron. Not counted in ClinVar's aggregate classification.

NM_020829.4(RIC1):c.3611A>G (p.Asn1204Ser)

Gene: RIC1 (RIC1 partner of RAB6A GEF complex; plus strand). Cytogenetic location: 9p24.1.
Variant type: single nucleotide variant.
Coding change: c.3611A>G on transcript NM_020829.4 (MANE Select); coding-DNA position 3611, A replaced by G.
Protein change: p.Asn1204Ser; replaces asparagine 1204 with serine.
Molecular consequence: missense variant.
Genome position (GRCh38, 1-based): chr9:5,770,273, A>G. VCF-style: chr9-5770273-A-G. GRCh37 (hg19) VCF-style: chr9-5770273-A-G.
Other names: NC_000009.11:g.5770273A>G; c.3500A>G, p.Asn1167Ser (NM_001206557.2); c.3611A>G (NM_020829.3); short protein forms N1167S, N1204S.
Identifiers: ClinVar variation 3024888 (VCV003024888.24), dbSNP rs147192288, ClinGen allele CA4975245.
Genomic context (GRCh38, chr9:5,770,273, plus strand): 5'-TAGACACAGCTTCATCCCATGGACCACAAATGCAAGATGCCTTCTTGTCACCTTTATCTA[A>G]TAAAGGTAAATGTAATTTTAAATCCTAGCTCTTCAGTTCCTTTGAAGAAAATTTATGTGC-3'
Protein context (NP_065880.2, residues 1194-1214): MQDAFLSPLS[Asn1204Ser]KGDECSIGSA